The following is an entry in ClinVar:

ClinVar aggregate classification (germline): Pathogenic (1 of 4 stars; one submission).

Conditions:
VPS13A-related neurodegenerative disease. Also called: Choreaacanthocytosis; ACANTHOCYTOSIS WITH NEUROLOGIC DISORDER; LEVINE-CRITCHLEY SYNDROME; Choreoacanthocytosis; Chorea-acanthocytosis; VPS13A Disease. Identifiers: Orphanet 2388, MedGen C0393576, MONDO:0008695, OMIM 200150.

Submission:

Myriad Genetics, Inc.
Classification: Pathogenic for VPS13A-related neurodegenerative disease. Last evaluated: 2026-08-09. Review status: criteria provided, single submitter. Criteria: Myriad Autosomal Dominant, Autosomal Recessive and X-Linked Classification Criteria (2023). Collection method: clinical testing. Allele origin: unknown.
Comment: NM_033305.2(VPS13A):c.870delT(F290Lfs*18) is expected to be pathogenic in the context of VPS13A disease. This variant is predicted to lead to an abnormal or absent protein product due to the creation of a premature termination codon in VPS13A, a gene where loss-of-function variants are known to be pathogenic. Please note: this variant was assessed in the context of healthy population screening.

NM_033305.3(VPS13A):c.870del (p.Phe290fs)

Gene: VPS13A (vacuolar protein sorting 13 homolog A; plus strand). Cytogenetic location: 9q21.2.
Variant type: Deletion.
Coding change: c.870del on transcript NM_033305.3 (MANE Select); coding-DNA position 870, one base deleted (T; older notation c.870delT).
Protein change: p.Phe290fs; shifts the reading frame from phenylalanine 290.
Molecular consequence: frameshift variant.
Genome position (GRCh38, 1-based): chr9:77,220,069, T deleted; the last of 3 consecutive T bases (chr9:77,220,067-77,220,069); deleting any one gives the same sequence. VCF-style (leftmost placement, unchanged base first): chr9-77220066-AT-A. GRCh37 (hg19) VCF-style: chr9-79834982-AT-A.
Other names: c.870del, p.Phe290fs (NM_001018037.2, NM_001018038.3, NM_015186.4); short protein forms F290fs.
Identifiers: ClinVar variation 5016223 (VCV005016223.1).